The following is an entry in ClinVar:

ClinVar aggregate classification (germline): Likely pathogenic (1 of 4 stars; one submission).

Conditions:
Polycystic kidney disease 3 with or without polycystic liver disease. Also called: POLYCYSTIC KIDNEY DISEASE, ADULT, TYPE III; Polycystic kidney disease 3; Polycystic Kidney and/or Polycystic Liver Disease 3. Identifiers: MedGen C3887964, MONDO:0010916, OMIM 600666.

Submission:

MVZ Medizinische Genetik Mainz
Classification: Likely pathogenic for Polycystic kidney disease 3 with or without polycystic liver disease. Last evaluated: 2022-01-04. Review status: criteria provided, single submitter. Criteria: UK Practice Guidelines For Variant Classification V4 01 2020. Collection method: clinical testing. Allele origin: germline. Inheritance: Autosomal dominant inheritance. Affected: yes. Observed: 1 variant allele.
Comment: ACMG Criteria: PVS1_STR, PM2_SUP, PP4 (ACMG Version 3)

NM_198334.3(GANAB):c.12_38+2del

Gene: GANAB (glucosidase II alpha subunit; minus strand). Cytogenetic location: 11q12.3.
Variant type: Deletion.
Coding change: c.12_38+2del on transcript NM_198334.3 (MANE Select); coding-DNA position 12 through the canonical splice donor site of the intron after coding-DNA position 38, 29 bases deleted (AGCGGCAGTGGCGGCGCGTAGGAGGCGGT).
Molecular consequence: splice donor variant.
Genome position (GRCh38, 1-based): chr11:62,646,560-62,646,588, ACCGCCTCCTACGCGCCGCCACTGCCGCT deleted on the plus strand (AGCGGCAGTGGCGGCGCGTAGGAGGCGGT on the coding strand, the reverse complement: GANAB is on the minus strand); deleting any 29 consecutive bases within chr11:62,646,560-62,646,594 gives the same sequence; the c. name uses the placement nearest the transcript's 3' end. VCF-style (leftmost placement, unchanged base first): chr11-62646559-CACCGCCTCCTACGCGCCGCCACTGCCGCT-C. GRCh37 (hg19) VCF-style: chr11-62414031-CACCGCCTCCTACGCGCCGCCACTGCCGCT-C.
Other names: c.12_38+2del (NM_001278193.2, NM_001278192.2, NM_198335.4); c.-276_-250+2del (NM_001329223.2); c.-171_-145+2del (NM_001278194.2); c.-765_-739+2del (NM_001329225.2).
Identifiers: ClinVar variation 3068388 (VCV003068388.1), dbSNP rs2539052796, ClinGen allele CA2825002026.